The following is an entry in ClinVar:

ClinVar aggregate classification (germline): Pathogenic/Likely pathogenic. Review status: criteria provided, multiple submitters, no conflicts (2 of 4 stars). 21 submissions from 21 submitters: Pathogenic (14); Likely pathogenic (1). 6 of the submissions do not count toward it. Last evaluated 2025-10-06.

Conditions:
AP4B1-related disorder. Also called: AP4B1-related condition.
Inborn genetic diseases. Identifiers: MedGen C0950123, MeSH D030342.
Spastic paraplegia. Identifiers: MedGen C0037772, HP:0001258.
Hereditary spastic paraplegia 47. Also called: Spastic paraplegia 47, autosomal recessive; adaptor protein 4 (AP-4) deficiency syndrome; CEREBRAL PALSY, SPASTIC QUADRIPLEGIC, 5. Identifiers: Orphanet 280763, MedGen C3279738, MONDO:0013551, OMIM 614066.
Abnormality of the nervous system. Also called: Congenital nervous system disorder. Identifiers: MedGen C0497552, MONDO:0002320, HP:0000707.
Intellectual disability. Also called: Intellectual functioning disability; intellectual disabilities; Intellectual developmental disorder. Identifiers: MedGen C3714756, MeSH D008607, MONDO:0001071, HP:0001249.

Submissions 1 to 13 of 21:

Labcorp Genetics (formerly Invitae), Labcorp
Classification: Pathogenic for Hereditary spastic paraplegia 47. Last evaluated: 2025-10-06. Review status: criteria provided, single submitter. Criteria: Invitae Variant Classification Sherloc (09022015). Collection method: clinical testing. Allele origin: germline.
Comment: This sequence change creates a premature translational stop signal (p.Thr387Argfs*30) in the AP4B1 gene. It is expected to result in an absent or disrupted protein product. Loss-of-function variants in AP4B1 are known to be pathogenic (PMID: 22290197, 24700674, 24781758). This variant is present in population databases (rs587779388, gnomAD 0.07%). This premature translational stop signal has been observed in individual(s) with AP4B1-related conditions (PMID: 24781758). ClinVar contains an entry for this variant (Variation ID: 156414). For these reasons, this variant has been classified as Pathogenic.

First Genomix Gene Laboratory, Genetic Diagnostics Department
Classification: Pathogenic for Hereditary spastic paraplegia 47. Last evaluated: 2025-05-21. Review status: criteria provided, single submitter. Criteria: ACMG Guidelines, 2015. Collection method: clinical testing. Allele origin: germline. Inheritance: Autosomal recessive inheritance. Affected: no. Observed: 1 variant allele.

PreventionGenetics, part of Exact Sciences
Classification: Pathogenic for AP4B1-related condition. Last evaluated: 2025-02-24. Review status: criteria provided, single submitter. Criteria: ACMG Guidelines, 2015. Collection method: clinical testing. Allele origin: germline.
Comment: The AP4B1 c.1160_1161delCA variant is predicted to result in a frameshift and premature protein termination (p.Thr387Argfs*30). This variant has been reported in the homozygous and compound heterozygous states in several individuals with phenotypes consistent with spastic paraplegia 47 (see for example, Abdollahpour et al. 2015. PubMed ID: 24781758; Ebrahimi-Fakhari D et al 2017. PubMed ID: 29193663). This variant is reported in 0.068% of alleles in individuals of Ashkenazi Jewish descent in gnomAD. Frameshift variants in AP4B1 are expected to be pathogenic. This variant is interpreted as pathogenic.

Ambry Genetics
Classification: Pathogenic for Inborn genetic diseases. Last evaluated: 2025-01-02. Review status: criteria provided, single submitter. Criteria: Ambry Variant Classification Scheme 2023. Collection method: clinical testing. Allele origin: germline.
Comment: The c.1160_1161delCA (p.T387Rfs*30) alteration, located in exon 7 (coding exon 6) of the AP4B1 gene, consists of a deletion of 2 nucleotides from position 1160 to 1161, causing a translational frameshift with a predicted alternate stop codon after 30 amino acids. This alteration is expected to result in loss of function by premature protein truncation or nonsense-mediated mRNA decay. Based on data from gnomAD, the c.1160_1161delCA (p.T387Rfs*30) variant has an overall frequency of 0.013% (37/278806) total alleles studied. The highest observed frequency was 0.068% (7/10358) of Ashkenazi Jewish alleles. This variant has been identified in the homozygous state and in conjunction with other AP4B1 variants in individuals with features consistent with AP-4-related hereditary spastic paraplegia; in at least one instance, the variants were identified in trans (Abdollahpour, 2015; Ebrahimi-Fakhari, 2018; St&ouml;dberg, 2020; Szczauba, 2020; Beheshtian, 2021; M&eacute;reaux, 2022). Based on the available evidence, this alteration is classified as pathogenic.

Institute of Human Genetics, University of Leipzig Medical Center
Classification: Pathogenic for Hereditary spastic paraplegia 47. Last evaluated: 2024-12-04. Review status: criteria provided, single submitter. Criteria: ACMG Guidelines, 2015. Collection method: clinical testing. Allele origin: unknown. Inheritance: Autosomal recessive inheritance. Affected: yes.
Comment: Criteria applied: PVS1,PM3_STR,PM2_SUP

Blueprint Genetics
Classification: Pathogenic for AP4B1-related disorders. Last evaluated: 2024-11-18. Review status: criteria provided, single submitter. Criteria: ACMG Guidelines, 2015. Collection method: clinical testing. Allele origin: germline. Affected: yes. Observed: 5 variant alleles.

CeGaT Center for Human Genetics Tuebingen
Classification: Pathogenic. Last evaluated: 2024-04-01. Review status: criteria provided, single submitter. Criteria: CeGaT Center For Human Genetics Tuebingen Variant Classification Criteria Version 2. Collection method: clinical testing. Allele origin: germline. Affected: yes. Observed: 5 variant alleles.
Comment: AP4B1: PVS1, PM3:Strong, PM2

GeneDx
Classification: Pathogenic. Last evaluated: 2023-11-10. Review status: criteria provided, single submitter. Criteria: GeneDx Variant Classification Process June 2021. Collection method: clinical testing. Allele origin: germline. Affected: yes.
Comment: Observed in homozygous state in several unrelated patients in published literature with hypotonia, spastic paraplegia, microcephaly, severe intellectual disability, and global developmental delay and not observed in homozygous state in controls (PMID: 32166732, 24781758); Reported with a second AP4B1 variant in an individual with SPG47 in the published literature (PMID: 29193663); Frameshift variant predicted to result in protein truncation or nonsense mediated decay in a gene for which loss of function is a known mechanism of disease; This variant is associated with the following publications: (PMID: 24781758, 21620353, 21440262, 22290197, 25552650, 25693842, 24700674, 19559397, 23167973, 20972249, 23472171, 31525725, 32166732, 31915823, 33728854, 32895917, 32964447, 33726816, 34544818, 34729478, 29193663)

Genome-Nilou Lab
Classification: Likely pathogenic for Hereditary spastic paraplegia 47. Last evaluated: 2023-04-11. Review status: criteria provided, single submitter. Criteria: ACMG Guidelines, 2015. Collection method: clinical testing. Allele origin: germline. Affected: no.

MGZ Medical Genetics Center
Classification: Pathogenic for Hereditary spastic paraplegia 47. Last evaluated: 2022-05-03. Review status: criteria provided, single submitter. Criteria: ACMG Guidelines, 2015. Collection method: clinical testing. Allele origin: germline. Affected: yes. Observed: 2 variant alleles.
Comment: ACMG criteria applied: PVS1, PM3, PM2_SUP

Victorian Clinical Genetics Services, Murdoch Childrens Research Institute
Classification: Pathogenic for Hereditary spastic paraplegia 47. Last evaluated: 2022-02-02. Review status: criteria provided, single submitter. Criteria: ACMG Guidelines, 2015. Collection method: clinical testing. Allele origin: germline. Inheritance: Autosomal recessive inheritance. Affected: yes.
Comment: Based on the classification scheme VCGS_Germline_v1.3.4, this variant is classified as Pathogenic. Following criteria are met: 0102 - Loss of function is a known mechanism of disease in this gene and is associated with spastic paraplegia 47 (MIM#614066). (I) 0106 - This gene is associated with autosomal recessive disease. (I) 0201 - Variant is predicted to cause nonsense-mediated decay (NMD) and loss of protein (premature termination codon is located at least 54 nucleotides upstream of the final exon-exon junction). (SP) 0251 - This variant is heterozygous. (I) 0304 - Variant is present in gnomAD (v2) <0.01 for a recessive condition (37 heterozygotes, 0 homozygotes). (SP) 0701 - Many NMD predicted variants comparable to the one identified in this case have very strong previous evidence for pathogenicity (ClinVar). (SP) 0801 - This variant has strong previous evidence of pathogenicity in unrelated individuals. This variant has been reported in multiple individuals with spastic paraplegia 47 (ClinVar, PMID: 29193663). (SP) 1208 - Inheritance information for this variant is not currently available in this individual. (I) Legend: (SP) - Supporting pathogenic, (I) - Information, (SB) - Supporting benign

Kariminejad - Najmabadi Pathology & Genetics Center
Classification: Pathogenic for Abnormality of the nervous system. Last evaluated: 2021-07-10. Review status: criteria provided, single submitter. Criteria: ACMG Guidelines, 2015. Collection method: clinical testing. Allele origin: germline. Affected: yes.

Genetic Services Laboratory, University of Chicago
Classification: Pathogenic. Last evaluated: 2021-01-28. Review status: criteria provided, single submitter. Criteria: ACMG Guidelines, 2015. Collection method: clinical testing. Allele origin: germline. Affected: yes.

NM_001253852.3(AP4B1):c.1160_1161del (p.Thr387fs)

Genes: AP4B1 (adaptor related protein complex 4 subunit beta 1; minus strand), AP4B1-AS1 (AP4B1 antisense RNA 1; plus strand). Cytogenetic location: 1p13.2.
Variant type: Deletion.
Coding change: c.1160_1161del on transcript NM_001253852.3 (MANE Select); coding-DNA positions 1160 to 1161, 2 bases deleted (CA; older notation c.1160_1161delCA).
Protein change: p.Thr387fs; shifts the reading frame from threonine 387.
Molecular consequence: frameshift variant.
Genome position (GRCh38, 1-based): chr1:113,898,755-113,898,756, TG deleted on the plus strand (CA on the coding strand, the reverse complement: AP4B1 is on the minus strand); deleting any 2 consecutive bases within chr1:113,898,755-113,898,757 gives the same sequence; the c. name uses the placement nearest the transcript's 3' end. VCF-style (leftmost placement, unchanged base first): chr1-113898754-CTG-C. GRCh37 (hg19) VCF-style: chr1-114441376-CTG-C.
Other names: c.1160_1161del (NM_006594.3); c.1160_1161delCA (NM_006594.5, NM_006594.4, NM_001253852.2); c.863_864del, p.Thr288fs (NM_001253853.3); c.656_657del, p.Thr219fs (NM_001308312.2); c.1160_1161del, p.Thr387fs (NM_006594.5); short protein forms T219fs, T288fs, T387fs.
Identifiers: ClinVar variation 156414 (VCV000156414.96), dbSNP rs587779388, ClinGen allele CA345954.